The following is an entry in ClinVar:

ClinVar aggregate classification (germline): Likely benign (0 of 4 stars; one submission).

Conditions:
MMP20-related disorder. Also called: MMP20-related condition.

Allele frequency attached by ClinVar (database versions not stated): ExAC 0.00003; ESP Exome Variant Server 0.00008; TOPMed 0.00011; gnomAD 0.00013; 1000 Genomes Project 0.00020; 1000 Genomes Project 30x 0.00031.
gnomAD v4.1: 102 of 1,604,902 alleles (0.0064%); highest among the groups gnomAD compares: African/African-American, 0.033%; no homozygotes.

Submission:

PreventionGenetics, part of Exact Sciences
Classification: Likely benign for MMP20-related condition. Last evaluated: 2020-09-28. Review status: no assertion criteria provided. Collection method: clinical testing. Allele origin: germline.
Comment: This variant is classified as likely benign based on ACMG/AMP sequence variant interpretation guidelines (Richards et al. 2015 PMID: 25741868, with internal and published modifications).

NM_004771.4(MMP20):c.1251C>T (p.Tyr417=)

Gene: MMP20 (matrix metallopeptidase 20; minus strand). Cytogenetic location: 11q22.2.
Variant type: single nucleotide variant.
Coding change: c.1251C>T on transcript NM_004771.4 (MANE Select); coding-DNA position 1251, C replaced by T.
Protein change: p.Tyr417=; no amino-acid change (tyrosine 417 retained).
Molecular consequence: synonymous variant.
Genome position (GRCh38, 1-based): chr11:102,579,139, G>A on the plus strand (C>T on the coding strand, the complement: MMP20 is on the minus strand). VCF-style: chr11-102579139-G-A. GRCh37 (hg19) VCF-style: chr11-102449870-G-A.
Identifiers: ClinVar variation 3053808 (VCV003053808.2), dbSNP rs138278626, ClinGen allele CA6248130.
Genomic context (GRCh38, chr11:102,579,139, plus strand): 5'-TGAAAATTCTTCTTCAGTATTCTTTGGATAGTCTTTTTCCATTTTCCTTTTCCTTTCGTC[G>A]TAGCTAGAAAAAGTATTATTTCATAAATAATATTACTAAGAGGTTTTTACTGGTTGTAGA-3'
Protein context (NP_004762.2, residues 407-427): LFFVGDEYYS[Tyr417=]DERKRKMEKD